The following is an entry in ClinVar:

NM_001014987.2(LAT):c.475C>T (p.Arg159Ter)

Gene: LAT (linker for activation of T cells; plus strand). Cytogenetic location: 16p11.2.
Variant type: single nucleotide variant.
Coding change: c.475C>T on transcript NM_001014987.2 (MANE Select); coding-DNA position 475, C replaced by T.
Protein change: p.Arg159Ter; replaces arginine 159 with a stop codon.
Molecular consequence: nonsense.
Genome position (GRCh38, 1-based): chr16:28,986,875, C>T. VCF-style: chr16-28986875-C-T. GRCh37 (hg19) VCF-style: chr16-28998196-C-T.
Other names: c.472C>T, p.Arg158Ter (NM_001014988.2); c.583C>T, p.Arg195Ter (NM_001014989.2); c.562C>T, p.Arg188Ter (NM_014387.4); short protein forms R188*, R159*, R158*, R195*.
Identifiers: ClinVar variation 1997125 (VCV001997125.4), dbSNP rs1965773773, ClinGen allele CA395442791.

ClinVar aggregate classification (germline): Pathogenic (1 of 4 stars; one submission).

Allele frequency attached by ClinVar (database versions not stated): TOPMed below 0.00001; gnomAD 0.00001; gnomAD exomes 0.00001.
gnomAD v4.1: 4 of 1,613,858 alleles (0.00025%); highest among the groups gnomAD compares: Non-Finnish European, 0.00017%; no homozygotes.

Submission:

Labcorp Genetics (formerly Invitae), Labcorp
Classification: Pathogenic. Last evaluated: 2025-06-22. Review status: criteria provided, single submitter. Criteria: Invitae Variant Classification Sherloc (09022015). Collection method: clinical testing. Allele origin: germline.
Comment: This sequence change creates a premature translational stop signal (p.Arg159*) in the LAT gene. It is expected to result in an absent or disrupted protein product. Loss-of-function variants in LAT are known to be pathogenic (PMID: 27242165, 27522155). This variant is not present in population databases (gnomAD no frequency). This variant has not been reported in the literature in individuals affected with LAT-related conditions. ClinVar contains an entry for this variant (Variation ID: 1997125). For these reasons, this variant has been classified as Pathogenic.

Literature cited by the submitters: PubMed 27242165; PubMed 27522155.